The following is an entry in ClinVar:

NM_001184.4(ATR):c.6602C>G (p.Ala2201Gly)

Gene: ATR (ATR checkpoint kinase; minus strand). Cytogenetic location: 3q23.
Variant type: single nucleotide variant.
Coding change: c.6602C>G on transcript NM_001184.4 (MANE Select); coding-DNA position 6602, C replaced by G.
Protein change: p.Ala2201Gly; replaces alanine 2201 with glycine.
Molecular consequence: missense variant.
Genome position (GRCh38, 1-based): chr3:142,468,019, G>C on the plus strand (C>G on the coding strand, the complement: ATR is on the minus strand). VCF-style: chr3-142468019-G-C. GRCh37 (hg19) VCF-style: chr3-142186861-G-C.
Other names: c.6410C>G, p.Ala2137Gly (NM_001354579.2); short protein forms A2137G, A2201G.
Identifiers: ClinVar variation 2738951 (VCV002738951.3), dbSNP rs2108276127, ClinGen allele CA354803614.
Genomic context (GRCh38, chr3:142,468,019, plus strand): 5'-TTATCTGTTAGGCGAGTTGCATCTCCAACAAACTTCTCTAAGGATTTTTTCATATGAATA[G>C]CTTTATTGAGGATTTCCTTGCATCTGTTCACACGCATGGGATAAGATGACTGTCATAAAA-3'
Protein context (NP_001175.2, residues 2191-2211): VNRCKEILNK[Ala2201Gly]IHMKKSLEKF

ClinVar aggregate classification (germline): Uncertain significance (1 of 4 stars; one submission).

Allele frequency attached by ClinVar (database versions not stated): gnomAD exomes below 0.00001.
gnomAD v4.1: 1 of 1,612,848 alleles (0.000062%); highest among the groups gnomAD compares: Non-Finnish European, 0.000085%; no homozygotes.

Submission:

Labcorp Genetics (formerly Invitae), Labcorp
Classification: Uncertain significance. Last evaluated: 2023-03-19. Review status: criteria provided, single submitter. Criteria: Invitae Variant Classification Sherloc (09022015). Collection method: clinical testing. Allele origin: germline.
Comment: This sequence change replaces alanine, which is neutral and non-polar, with glycine, which is neutral and non-polar, at codon 2201 of the ATR protein (p.Ala2201Gly). This variant has not been reported in the literature in individuals affected with ATR-related conditions. This variant is not present in population databases (gnomAD no frequency). In summary, the available evidence is currently insufficient to determine the role of this variant in disease. Therefore, it has been classified as a Variant of Uncertain Significance. Algorithms developed to predict the effect of sequence changes on RNA splicing suggest that this variant may create or strengthen a splice site. An algorithm developed to predict the effect of missense changes on protein structure and function (PolyPhen-2) suggests that this variant is likely to be disruptive.